The following is an entry in ClinVar:

NM_014874.4(MFN2):c.1330C>G (p.Leu444Val)

Gene: MFN2 (mitofusin 2; plus strand). Cytogenetic location: 1p36.22.
Variant type: single nucleotide variant.
Coding change: c.1330C>G on transcript NM_014874.4 (MANE Select); coding-DNA position 1330, C replaced by G.
Protein change: p.Leu444Val; replaces leucine 444 with valine.
Molecular consequence: missense variant.
Genome position (GRCh38, 1-based): chr1:12,004,551, C>G. VCF-style: chr1-12004551-C-G. GRCh37 (hg19) VCF-style: chr1-12064608-C-G.
Other names: c.1330C>G, p.Leu444Val (NM_001127660.2); short protein forms L444V.
Identifiers: ClinVar variation 967485 (VCV000967485.10), dbSNP rs1639318979, ClinGen allele CA338446138.
Genomic context (GRCh38, chr1:12,004,551, plus strand): 5'-TGCTTCCTTTTGCTGTAGGTGTCGACTGCAATGGCCGAGGAGATCAGGCGCCTCTCTGTA[C>G]TGGTGGACGATTACCAGATGGACTTCCACCCTTCTCCAGTAGTCCTCAAGGTTTATAAGA-3'
Protein context (NP_055689.1, residues 434-454): MAEEIRRLSV[Leu444Val]VDDYQMDFHP

ClinVar aggregate classification (germline): Uncertain significance (1 of 4 stars; one submission).

Conditions:
Charcot-Marie-Tooth disease type 2. Also called: Charcot-Marie-Tooth type 2. Identifiers: Orphanet 64746, MedGen C0270914, MONDO:0018993.

Submission:

Labcorp Genetics (formerly Invitae), Labcorp
Classification: Uncertain significance for Charcot-Marie-Tooth disease type 2. Last evaluated: 2019-09-27. Review status: criteria provided, single submitter. Criteria: Invitae Variant Classification Sherloc (09022015). Collection method: clinical testing. Allele origin: germline.
Comment: This sequence change replaces leucine with valine at codon 444 of the MFN2 protein (p.Leu444Val). The leucine residue is moderately conserved and there is a small physicochemical difference between leucine and valine. This variant is not present in population databases (ExAC no frequency). This variant has not been reported in the literature in individuals with MFN2-related conditions. Algorithms developed to predict the effect of missense changes on protein structure and function (SIFT, PolyPhen-2, Align-GVGD) all suggest that this variant is likely to be tolerated, but these predictions have not been confirmed by published functional studies and their clinical significance is uncertain. Algorithms developed to predict the effect of sequence changes on RNA splicing suggest that this variant may create or strengthen a splice site, but this prediction has not been confirmed by published transcriptional studies. In summary, the available evidence is currently insufficient to determine the role of this variant in disease. Therefore, it has been classified as a Variant of Uncertain Significance.